The following is an entry in ClinVar:

NM_032444.4(SLX4):c.5497C>T (p.Arg1833Trp)

Gene: SLX4 (SLX4 structure-specific endonuclease subunit; minus strand). Cytogenetic location: 16p13.3.
Variant type: single nucleotide variant.
Coding change: c.5497C>T on transcript NM_032444.4 (MANE Select); coding-DNA position 5497, C replaced by T.
Protein change: p.Arg1833Trp; replaces arginine 1833 with tryptophan.
Molecular consequence: missense variant.
Genome position (GRCh38, 1-based): chr16:3,582,350, G>A on the plus strand (C>T on the coding strand, the complement: SLX4 is on the minus strand). VCF-style: chr16-3582350-G-A. GRCh37 (hg19) VCF-style: chr16-3632351-G-A.
Other names: short protein forms R1833W.
Identifiers: ClinVar variation 1026620 (VCV001026620.7), dbSNP rs375100050, ClinGen allele CA7865288.
Genomic context (GRCh38, chr16:3,582,350, plus strand): 5'-GCGGGGGTGGGGGCTGCTGATGGCAGGTTGGGGTGGGGTCGGGATGGCCCCATCAGTTCC[G>A]CTCCACCTTCTTCTTGCCCCGAGGCTGCCGCCTCCTGCCCTGGAGCTTCTCCCTGCGGGT-3'
Protein context (NP_115820.2, residues 1823-1834): RQPRGKKKVE[Arg1833Trp]N

ClinVar aggregate classification (germline): Uncertain significance. Review status: criteria provided, multiple submitters, no conflicts (2 of 4 stars). 2 submissions from 2 submitters: Uncertain significance (2). Last evaluated 2023-12-28.

Conditions:
Fanconi anemia (FA). Also called: Fanconi's anemia. Identifiers: Orphanet 84, MedGen C0015625, MeSH D005199, MONDO:0019391.
Fanconi anemia complementation group P. Also called: SLX4-Related Fanconi Anemia. Identifiers: Orphanet 84, MedGen C3469542, MONDO:0013499, OMIM 613951.

Allele frequency attached by ClinVar (database versions not stated): gnomAD 0.00001; TOPMed 0.00001; ExAC 0.00002; ESP Exome Variant Server 0.00008.
gnomAD v4.1: 6 of 1,611,276 alleles (0.00037%); highest among the groups gnomAD compares: East Asian, 0.0045%; no homozygotes.

Submissions (2):

Labcorp Genetics (formerly Invitae), Labcorp
Classification: Uncertain significance for Fanconi anemia. Last evaluated: 2023-12-28. Review status: criteria provided, single submitter. Criteria: Invitae Variant Classification Sherloc (09022015). Collection method: clinical testing. Allele origin: germline.
Comment: This sequence change replaces arginine, which is basic and polar, with tryptophan, which is neutral and slightly polar, at codon 1833 of the SLX4 protein (p.Arg1833Trp). This variant is present in population databases (rs375100050, gnomAD 0.01%). This variant has not been reported in the literature in individuals affected with SLX4-related conditions. ClinVar contains an entry for this variant (Variation ID: 1026620). Algorithms developed to predict the effect of missense changes on protein structure and function output the following: SIFT: "Not Available"; PolyPhen-2: "Possibly Damaging"; Align-GVGD: "Not Available". The tryptophan amino acid residue is found in multiple mammalian species, which suggests that this missense change does not adversely affect protein function. In summary, the available evidence is currently insufficient to determine the role of this variant in disease. Therefore, it has been classified as a Variant of Uncertain Significance.

Fulgent Genetics
Classification: Uncertain significance for Fanconi anemia complementation group P. Last evaluated: 2022-02-25. Review status: criteria provided, single submitter. Criteria: ACMG Guidelines, 2015. Collection method: clinical testing. Allele origin: unknown.